The following is an entry in ClinVar:

ClinVar aggregate classification (germline): Pathogenic (1 of 4 stars; one submission).

Submission:

GeneDx
Classification: Pathogenic. Last evaluated: 2022-04-21. Review status: criteria provided, single submitter. Criteria: GeneDx Variant Classification Process June 2021. Collection method: clinical testing. Allele origin: germline. Affected: yes.
Comment: Frameshift variant predicted to result in protein truncation or nonsense mediated decay in a gene for which loss of function is a known mechanism of disease; Not observed at significant frequency in large population cohorts (gnomAD); This variant is associated with the following publications: (PMID: 28600779, 32870709, 33875846)

NM_198060.4(NRAP):c.400_407del (p.Cys134fs)

Gene: NRAP (nebulin related anchoring protein; minus strand). Cytogenetic location: 10q25.3.
Variant type: Deletion.
Coding change: c.400_407del on transcript NM_198060.4 (MANE Select); coding-DNA positions 400 to 407, 8 bases deleted (TGCCCAGG; older notation c.400_407delTGCCCAGG).
Protein change: p.Cys134fs; shifts the reading frame from cysteine 134.
Molecular consequence: frameshift variant.
Genome position (GRCh38, 1-based): chr10:113,654,079-113,654,086, CCTGGGCA deleted on the plus strand (TGCCCAGG on the coding strand, the reverse complement: NRAP is on the minus strand); deleting any 8 consecutive bases within chr10:113,654,079-113,654,088 gives the same sequence; the c. name uses the placement nearest the transcript's 3' end. VCF-style (leftmost placement, unchanged base first): chr10-113654078-TCCTGGGCA-T. GRCh37 (hg19) VCF-style: chr10-115413837-TCCTGGGCA-T.
Other names: c.400_407del, p.Cys134fs (NM_001261463.2, NM_001322945.2, NM_006175.5); short protein forms C134fs.
Identifiers: ClinVar variation 1711905 (VCV001711905.2), dbSNP rs2493763082, ClinGen allele CA2580082373.